The following is an entry in ClinVar:

ClinVar aggregate classification (germline): Uncertain significance (1 of 4 stars; one submission).

Submission:

Labcorp Genetics (formerly Invitae), Labcorp
Classification: Uncertain significance. Last evaluated: 2022-07-25. Review status: criteria provided, single submitter. Criteria: Invitae Variant Classification Sherloc (09022015). Collection method: clinical testing. Allele origin: germline.
Comment: In summary, the available evidence is currently insufficient to determine the role of this variant in disease. Therefore, it has been classified as a Variant of Uncertain Significance. Algorithms developed to predict the effect of missense changes on protein structure and function (SIFT, PolyPhen-2, Align-GVGD) all suggest that this variant is likely to be tolerated. This variant has not been reported in the literature in individuals affected with NRL-related conditions. This variant is not present in population databases (gnomAD no frequency). This sequence change replaces alanine, which is neutral and non-polar, with valine, which is neutral and non-polar, at codon 2 of the NRL protein (p.Ala2Val).

NM_001354768.3(NRL):c.5C>T (p.Ala2Val)

Gene: NRL (neural retina leucine zipper; minus strand). Cytogenetic location: 14q11.2.
Variant type: single nucleotide variant.
Coding change: c.5C>T on transcript NM_001354768.3 (MANE Select); coding-DNA position 5, C replaced by T.
Protein change: p.Ala2Val; replaces alanine 2 with valine.
Molecular consequence: missense variant.
Genome position (GRCh38, 1-based): chr14:24,082,844, G>A on the plus strand (C>T on the coding strand, the complement: NRL is on the minus strand). VCF-style: chr14-24082844-G-A. GRCh37 (hg19) VCF-style: chr14-24552053-G-A.
Other names: c.5C>T, p.Ala2Val (NM_001354769.1, NM_001354770.2, NM_006177.5); short protein forms A2V.
Identifiers: ClinVar variation 1969560 (VCV001969560.5), dbSNP rs2502528350, ClinGen allele CA389283265.
Genomic context (GRCh38, chr14:24,082,844, plus strand): 5'-TCAAACTTCATCAAGTCAAAGTCATTGACATATTCCATGGCCAGGGGGCTGGGGGGCAGG[G>A]CCATTCTGGAGCTGGGCTGGGAGGAGTGCACCTGCAAAGAGGAGGAGAGGTCTGGAGCAC-3'
Protein context (NP_001341697.1, residues 1-12): M[Ala2Val]LPPSPLAMEY